The following is an entry in ClinVar:

NM_002857.4(PEX19):c.346+2T>C

Gene: PEX19 (peroxisomal biogenesis factor 19; minus strand). Cytogenetic location: 1q23.2.
Variant type: single nucleotide variant.
Coding change: c.346+2T>C on transcript NM_002857.4 (MANE Select); the canonical splice donor site of the intron after coding-DNA position 346, T replaced by C.
Molecular consequence: splice donor variant.
Genome position (GRCh38, 1-based): chr1:160,282,942, A>G on the plus strand (T>C on the coding strand, the complement: PEX19 is on the minus strand). VCF-style: chr1-160282942-A-G. GRCh37 (hg19) VCF-style: chr1-160252732-A-G.
Other names: c.346+2T>C (NM_001193644.1).
Identifiers: ClinVar variation 1066259 (VCV001066259.8), dbSNP rs1657837348, ClinGen allele CA343262745.
Genomic context (GRCh38, chr1:160,282,942, plus strand): 5'-TTTCAGGCAACAAAGACTTAAGAGTCTGTTCAGATATTTCCATGTATCTGGGGTCTCCTC[A>G]CCCACTCTCCCTGCAGCCTCTGAGAGCTTTTGGAACTGCTCCACCAGGTGGGGTTCTTCC-3'

ClinVar aggregate classification (germline): Likely pathogenic. Review status: criteria provided, multiple submitters, no conflicts (2 of 4 stars). 2 submissions from 2 submitters: Likely pathogenic (2). Last evaluated 2025-12-08.

Conditions:
PEX19-related disorder. Also called: PEX19-related condition.
Peroxisome biogenesis disorder 12A (Zellweger). Also called: Peroxisome biogenesis disorder 12A. Identifiers: Orphanet 912, MedGen C3554002, MONDO:0013951, OMIM 614886.

Allele frequency attached by ClinVar (database versions not stated): TOPMed below 0.00001; gnomAD exomes 0.00001.
gnomAD v4.1: 16 of 1,613,958 alleles (0.00099%); highest among the groups gnomAD compares: African/African-American, 0.0013%; no homozygotes.

Submissions (2):

Labcorp Genetics (formerly Invitae), Labcorp
Classification: Likely pathogenic for Peroxisome biogenesis disorder 12A (Zellweger). Last evaluated: 2025-12-08. Review status: criteria provided, single submitter. Criteria: Invitae Variant Classification Sherloc (09022015). Collection method: clinical testing. Allele origin: germline.
Comment: This sequence change affects a donor splice site in intron 3 of the PEX19 gene. It is expected to disrupt RNA splicing. Variants that disrupt the donor or acceptor splice site typically lead to a loss of protein function (PMID: 16199547), and loss-of-function variants in PEX19 are known to be pathogenic (PMID: 10051604, 20683989, 21031596). This variant is not present in population databases (gnomAD no frequency). This variant has not been reported in the literature in individuals affected with PEX19-related conditions. ClinVar contains an entry for this variant (Variation ID: 1066259). Algorithms developed to predict the effect of sequence changes on RNA splicing suggest that this variant may disrupt the consensus splice site. In summary, the currently available evidence indicates that the variant is pathogenic, but additional data are needed to prove that conclusively. Therefore, this variant has been classified as Likely Pathogenic.

Blueprint Genetics
Classification: Likely pathogenic for PEX19-related disorders. Last evaluated: 2022-05-18. Review status: criteria provided, single submitter. Criteria: ACMG Guidelines, 2015. Collection method: clinical testing. Allele origin: germline. Affected: yes. Observed: 1 variant allele.

Literature cited by the submitters: PubMed 16199547 (cited by Labcorp Genetics (formerly Invitae), Labcorp); PubMed 10051604 (cited by Labcorp Genetics (formerly Invitae), Labcorp); PubMed 20683989 (cited by Labcorp Genetics (formerly Invitae), Labcorp); PubMed 21031596 (cited by Labcorp Genetics (formerly Invitae), Labcorp).